The following is an entry in ClinVar:

ClinVar aggregate classification (germline): Likely pathogenic. Review status: criteria provided, multiple submitters, no conflicts (2 of 4 stars). 2 submissions from 2 submitters: Likely pathogenic (2). Last evaluated 2023-02-16.

Conditions:
Bardet-Biedl syndrome (BBS). Identifiers: Orphanet 110, MedGen C0752166, MONDO:0015229.
Bardet-Biedl syndrome 7 (BBS7). Identifiers: Orphanet 110, MedGen C1859565, MONDO:0014435, OMIM 615984.

Submissions (2):

Baylor Genetics
Classification: Likely pathogenic for Bardet-Biedl syndrome 7. Last evaluated: 2023-02-16. Review status: criteria provided, single submitter. Criteria: ACMG Guidelines, 2015. Collection method: clinical testing. Allele origin: unknown.

Labcorp Genetics (formerly Invitae), Labcorp
Classification: Likely pathogenic for Bardet-Biedl syndrome. Last evaluated: 2018-11-07. Review status: criteria provided, single submitter. Criteria: Invitae Variant Classification Sherloc (09022015). Collection method: clinical testing. Allele origin: germline.
Comment: This variant is not present in population databases (ExAC no frequency). This sequence change affects a donor splice site in intron 13 of the BBS7 gene. It is expected to disrupt RNA splicing and likely results in an absent or disrupted protein product. This variant has not been reported in the literature in individuals with BBS7-related disease. Algorithms developed to predict the effect of sequence changes on RNA splicing suggest that this variant may disrupt the consensus splice site, but this prediction has not been confirmed by published transcriptional studies. Donor and acceptor splice site variants typically lead to a loss of protein function (PMID: 16199547), and loss-of-function variants in BBS7 are known to be pathogenic (PMID: 12567324). In summary, the currently available evidence indicates that the variant is pathogenic, but additional data are needed to prove that conclusively. Therefore, this variant has been classified as Likely Pathogenic.

Literature cited by the submitters: PubMed 16199547 (cited by Labcorp Genetics (formerly Invitae), Labcorp); PubMed 12567324 (cited by Labcorp Genetics (formerly Invitae), Labcorp).

NM_176824.3(BBS7):c.1371+1G>A

Gene: BBS7 (Bardet-Biedl syndrome 7; minus strand). Cytogenetic location: 4q27.
Variant type: single nucleotide variant.
Coding change: c.1371+1G>A on transcript NM_176824.3 (MANE Select); the canonical splice donor site of the intron after coding-DNA position 1371, G replaced by A.
Molecular consequence: splice donor variant.
Genome position (GRCh38, 1-based): chr4:121,839,630, C>T on the plus strand (G>A on the coding strand, the complement: BBS7 is on the minus strand). VCF-style: chr4-121839630-C-T. GRCh37 (hg19) VCF-style: chr4-122760785-C-T.
Other names: c.1371+1G>A (NM_018190.4).
Identifiers: ClinVar variation 662437 (VCV000662437.7), dbSNP rs1578537379, ClinGen allele CA358060018.